The following is an entry in ClinVar:

ClinVar aggregate classification (germline): Uncertain significance (1 of 4 stars; one submission).

Submission:

GeneDx
Classification: Uncertain significance. Last evaluated: 2026-04-20. Review status: criteria provided, single submitter. Criteria: GeneDx Variant Classification Process June 2021. Collection method: clinical testing. Allele origin: germline.
Comment: Not observed at significant frequency in large population cohorts (gnomAD); In silico analysis supports that this missense variant has a deleterious effect on protein structure/function; Has not been previously published as pathogenic or benign to our knowledge

NM_001256012.3(MYH10):c.2258A>G (p.Gln753Arg)

Gene: MYH10 (myosin heavy chain 10; minus strand). Cytogenetic location: 17p13.1.
Variant type: single nucleotide variant.
Coding change: c.2258A>G on transcript NM_001256012.3 (MANE Select); coding-DNA position 2258, A replaced by G.
Protein change: p.Gln753Arg; replaces glutamine 753 with arginine.
Molecular consequence: missense variant.
Genome position (GRCh38, 1-based): chr17:8,520,893, T>C on the plus strand (A>G on the coding strand, the complement: MYH10 is on the minus strand). VCF-style: chr17-8520893-T-C. GRCh37 (hg19) VCF-style: chr17-8424211-T-C.
Other names: c.2192A>G, p.Gln731Arg (NM_001256095.2); c.2195A>G, p.Gln732Arg (NM_001375266.1); c.2165A>G, p.Gln722Arg (NM_005964.5); short protein forms Q722R, Q731R, Q732R, Q753R.
Identifiers: ClinVar variation 5037139 (VCV005037139.1).